The following is an entry in ClinVar:

ClinVar aggregate classification (germline): Uncertain significance. Review status: criteria provided, multiple submitters, no conflicts (2 of 4 stars). 3 submissions from 3 submitters: Uncertain significance (3). Last evaluated 2024-05-11.

Conditions:
Familial thoracic aortic aneurysm and aortic dissection (TAAD). Also called: Thoracic aortic aneurysms and dissections. Identifiers: Orphanet 91387, MedGen C4707243, MONDO:0019625.
Aortic aneurysm, familial thoracic 4 (AAT4). Also called: AORTIC ANEURYSM/AORTIC DISSECTION AND PATENT DUCTUS ARTERIOSUS. Identifiers: MedGen C1851504, MONDO:0007568, OMIM 132900.

Allele frequency attached by ClinVar (database versions not stated): gnomAD exomes below 0.00001 and 0.00001.

Submissions (3):

Labcorp Genetics (formerly Invitae), Labcorp
Classification: Uncertain significance for Aortic aneurysm, familial thoracic 4. Last evaluated: 2024-05-11. Review status: criteria provided, single submitter. Criteria: Invitae Variant Classification Sherloc (09022015). Collection method: clinical testing. Allele origin: germline.
Comment: This sequence change replaces glutamic acid, which is acidic and polar, with lysine, which is basic and polar, at codon 1153 of the MYH11 protein (p.Glu1153Lys). This variant is present in population databases (no rsID available, gnomAD 0.0009%). This variant has not been reported in the literature in individuals affected with MYH11-related conditions. ClinVar contains an entry for this variant (Variation ID: 923186). Advanced modeling of protein sequence and biophysical properties (such as structural, functional, and spatial information, amino acid conservation, physicochemical variation, residue mobility, and thermodynamic stability) performed at Invitae indicates that this missense variant is not expected to disrupt MYH11 protein function with a negative predictive value of 95%. In summary, the available evidence is currently insufficient to determine the role of this variant in disease. Therefore, it has been classified as a Variant of Uncertain Significance.

Color Diagnostics, LLC DBA Color Health
Classification: Uncertain significance for Familial thoracic aortic aneurysm and aortic dissection. Last evaluated: 2024-03-06. Review status: criteria provided, single submitter. Criteria: ACMG Guidelines, 2015. Collection method: clinical testing. Allele origin: germline.
Comment: This missense variant replaces glutamic acid with lysine at codon 1153 of the MYH11 protein. Computational prediction suggests that this variant may have deleterious impact on protein structure and function (internally defined REVEL score threshold >= 0.7, PMID: 27666373). To our knowledge, functional studies have not been reported for this variant. This variant has not been reported in individuals affected with MYH11-related disorders in the literature. This variant has been identified in 1/251482 chromosomes in the general population by the Genome Aggregation Database (gnomAD). The available evidence is insufficient to determine the role of this variant in disease conclusively. Therefore, this variant is classified as a Variant of Uncertain Significance.

All of Us Research Program, National Institutes of Health
Classification: Uncertain significance for Familial thoracic aortic aneurysm and aortic dissection. Last evaluated: 2023-05-16. Review status: criteria provided, single submitter. Criteria: ACMG Guidelines, 2015. Collection method: clinical testing. Allele origin: germline. Inheritance: Autosomal dominant inheritance. Observed: 1 variant allele, 1 heterozygote.
Comment: This missense variant replaces glutamic acid with lysine at codon 1153 of the MYH11 protein. Computational prediction tool suggests that this variant may have deleterious impact on protein structure and function (internally defined REVEL score threshold >=0.7, PMID: 27666373). Splice site prediction tools suggest that this variant may not impact RNA splicing. To our knowledge, functional studies have not been performed for this variant. This variant has not been reported in individuals affected with cardiovascular disorders in the literature. This variant has been identified in 1/251482 chromosomes in the general population by the Genome Aggregation Database (gnomAD). The available evidence is insufficient to determine the role of this variant in disease conclusively. Therefore, this variant is classified as a Variant of Uncertain Significance.

This study involves interpretation of variants in research participants for the purpose of population health screening. Participant phenotype was not available at the time of variant classification. Additional details can be found in publication PMID: 35346344, PMCID: PMC8962531

NM_002474.3(MYH11):c.3436G>A (p.Glu1146Lys)

Gene: MYH11 (myosin heavy chain 11; minus strand). Cytogenetic location: 16p13.11.
Variant type: single nucleotide variant.
Coding change: c.3436G>A on transcript NM_002474.3 (MANE Select); coding-DNA position 3436, G replaced by A.
Protein change: p.Glu1146Lys; replaces glutamic acid 1146 with lysine.
Molecular consequence: missense variant.
Genome position (GRCh38, 1-based): chr16:15,735,436, C>T on the plus strand (G>A on the coding strand, the complement: MYH11 is on the minus strand). VCF-style: chr16-15735436-C-T. GRCh37 (hg19) VCF-style: chr16-15829293-C-T.
Other names: c.3457G>A, p.Glu1153Lys (NM_001040113.2, NM_001040114.2); c.3436G>A, p.Glu1146Lys (NM_022844.3); short protein forms E1146K, E1153K.
Identifiers: ClinVar variation 923186 (VCV000923186.8), dbSNP rs965028796, ClinGen allele CA278621082.